The following is an entry in ClinVar:

NM_000059.4(BRCA2):c.3544T>C (p.Phe1182Leu)

Gene: BRCA2 (BRCA2 DNA repair associated; plus strand). Cytogenetic location: 13q13.1.
Variant type: single nucleotide variant.
Coding change: c.3544T>C on transcript NM_000059.4 (MANE Select); coding-DNA position 3544, T replaced by C.
Protein change: p.Phe1182Leu; replaces phenylalanine 1182 with leucine.
Molecular consequence: missense variant. On other transcripts: non-coding transcript variant (1), intron variant (2).
Genome position (GRCh38, 1-based): chr13:32,337,899, T>C. VCF-style: chr13-32337899-T-C. GRCh37 (hg19) VCF-style: chr13-32912036-T-C.
Other names: c.3544T>C, p.Phe1182Leu (NM_001406719.1, NM_001406720.1, NM_001432077.1); c.1909+4512T>C (NM_001406721.1); c.425-6659T>C (NM_001406722.1); short protein forms F1182L.
Identifiers: ClinVar variation 5033347 (VCV005033347.1).
Genomic context (GRCh38, chr13:32,337,899, plus strand): 5'-GCTGATCTTCATGTCATAATGAATGCCCCATCGATTGGTCAGGTAGACAGCAGCAAGCAA[T>C]TTGAAGGTACAGTTGAAATTAAACGGAAGTTTGCTGGCCTGTTGAAAAATGACTGTAACA-3'
Protein context (NP_000050.3, residues 1172-1192): SIGQVDSSKQ[Phe1182Leu]EGTVEIKRKF

ClinVar aggregate classification (germline): Uncertain significance (1 of 4 stars; one submission).

Conditions:
Hereditary cancer-predisposing syndrome. Also called: Neoplastic Syndromes, Hereditary; Tumor predisposition; Hereditary neoplastic syndrome; Hereditary Cancer Syndrome. Identifiers: Orphanet 140162, MedGen C0027672, MeSH D009386, MONDO:0015356.

Submission:

Ambry Genetics
Classification: Uncertain significance for Hereditary cancer-predisposing syndrome. Last evaluated: 2026-08-21. Review status: criteria provided, single submitter. Criteria: Ambry Variant Classification Scheme 2023. Collection method: clinical testing. Allele origin: germline.
Comment: The p.F1182L variant (also known as c.3544T>C), located in coding exon 10 of the BRCA2 gene, results from a T to C substitution at nucleotide position 3544. The phenylalanine at codon 1182 is replaced by leucine, an amino acid with highly similar properties. This amino acid position is not well conserved in available vertebrate species. In addition, this alteration is predicted to be tolerated by in silico analysis. Based on the available evidence, the clinical significance of this variant remains unclear.